The following is an entry in ClinVar:

ClinVar aggregate classification (germline): Uncertain significance (1 of 4 stars; one submission).

Conditions:
Charcot-Marie-Tooth disease axonal type 2O. Also called: CHARCOT-MARIE-TOOTH NEUROPATHY, AXONAL, TYPE 2O; CHARCOT-MARIE-TOOTH DISEASE, AXONAL, AUTOSOMAL DOMINANT, TYPE 2O; Charcot-Marie-Tooth disease, axonal, type 20; Charcot-Marie-Tooth Neuropathy Type 2O. Identifiers: Orphanet 284232, MedGen C3280220, MONDO:0013644, OMIM 614228.

Submission:

Labcorp Genetics (formerly Invitae), Labcorp
Classification: Uncertain significance for Charcot-Marie-Tooth disease axonal type 2O. Last evaluated: 2019-07-15. Review status: criteria provided, single submitter. Criteria: Invitae Variant Classification Sherloc (09022015). Collection method: clinical testing. Allele origin: germline.
Comment: Nucleotide substitutions within the consensus splice site are a relatively common cause of aberrant splicing (PMID: 17576681, 9536098). Algorithms developed to predict the effect of sequence changes on RNA splicing suggest that this variant may create or strengthen a splice site, but this prediction has not been confirmed by published transcriptional studies. In summary, the available evidence is currently insufficient to determine the role of this variant in disease. Therefore, it has been classified as a Variant of Uncertain Significance. This variant has not been reported in the literature in individuals with DYNC1H1-related conditions. This variant is not present in population databases (ExAC no frequency). This sequence change falls in intron 24 of the DYNC1H1 gene. It does not directly change the encoded amino acid sequence of the DYNC1H1 protein, but it affects a nucleotide within the consensus splice site of the intron.

Literature cited by the submitters: PubMed 17576681; PubMed 9536098.

NM_001376.5(DYNC1H1):c.5049+5A>G

Gene: DYNC1H1 (dynein cytoplasmic 1 heavy chain 1; plus strand). Cytogenetic location: 14q32.31.
Variant type: single nucleotide variant.
Coding change: c.5049+5A>G on transcript NM_001376.5 (MANE Select); 5 bases into the intron after coding-DNA position 5049, A replaced by G.
Molecular consequence: intron variant.
Genome position (GRCh38, 1-based): chr14:102,004,688, A>G. VCF-style: chr14-102004688-A-G. GRCh37 (hg19) VCF-style: chr14-102471025-A-G.
Identifiers: ClinVar variation 938479 (VCV000938479.7), dbSNP rs2048176551, ClinGen allele CA1139663751.
Genomic context (GRCh38, chr14:102,004,688, plus strand): 5'-TCCTGAACGAGGATAACTCTGTTGTTTTGGGTATTTCATCTCGGGAAGGAGAGGAGGTAA[A>G]TTTATGTTCGTAACTTTTAAAACTTCTCTCACATTTTTGCATACCTCATTTCTTAAAATT-3'